The following is an entry in ClinVar:

ClinVar aggregate classification (germline): Pathogenic/Likely pathogenic. Review status: criteria provided, multiple submitters, no conflicts (2 of 4 stars). 2 submissions from 2 submitters: Pathogenic (1); Likely pathogenic (1). Last evaluated 2026-04-14.

Conditions:
Low phospholipid associated cholelithiasis (GBD1). Also called: Gallstone cholecystitis; Gallbladder disease 1. Identifiers: Orphanet 69663, MedGen C2609268, MONDO:0010939, OMIM 600803.
Familial intrahepatic cholestasis. Identifiers: Orphanet 284385, MedGen CN296401, MONDO:0017290.

Submissions (2):

Genomenon, Inc
Classification: Likely pathogenic for Familial intrahepatic cholestasis; Low phospholipid associated cholelithiasis. Last evaluated: 2026-04-14. Review status: criteria provided, single submitter. Criteria: Genomenon Sequence Variant Interpretation Standards - Updated. Collection method: curation. Allele origin: germline. Affected: no.
Comment: ABCB4 p.Gln1181Ter (c.3541C>T) is a nonsense variant that introduces a premature stop codon at amino acid position 1181, creating a truncated protein that is predicted to undergo nonsense-mediated mRNA decay. This variant has been reported in the published literature (PMID:26324191). It is absent or not present at a significant frequency in gnomAD. In conclusion, we classify ABCB4 p.Gln1181Ter (c.3541C>T) as a likely pathogenic variant.

Labcorp Genetics (formerly Invitae), Labcorp
Classification: Pathogenic. Last evaluated: 2023-02-21. Review status: criteria provided, single submitter. Criteria: Invitae Variant Classification Sherloc (09022015). Collection method: clinical testing. Allele origin: germline.
Comment: For these reasons, this variant has been classified as Pathogenic. This premature translational stop signal has been observed in individual(s) with ABCB4-related conditions (PMID: 26324191). This variant is not present in population databases (gnomAD no frequency). This sequence change creates a premature translational stop signal (p.Gln1181*) in the ABCB4 gene. It is expected to result in an absent or disrupted protein product. Loss-of-function variants in ABCB4 are known to be pathogenic (PMID: 17726488, 25755532).

Literature cited by the submitters: PubMed 26324191 (cited by Genomenon, Inc and Labcorp Genetics (formerly Invitae), Labcorp); PubMed 17726488 (cited by Labcorp Genetics (formerly Invitae), Labcorp); PubMed 25755532 (cited by Labcorp Genetics (formerly Invitae), Labcorp).

NM_000443.4(ABCB4):c.3541C>T (p.Gln1181Ter)

Gene: ABCB4 (ATP binding cassette subfamily B member 4; minus strand). Cytogenetic location: 7q21.12.
Variant type: single nucleotide variant.
Coding change: c.3541C>T on transcript NM_000443.4 (MANE Select); coding-DNA position 3541, C replaced by T.
Protein change: p.Gln1181Ter; replaces glutamine 1181 with a stop codon.
Molecular consequence: nonsense.
Genome position (GRCh38, 1-based): chr7:87,403,227, G>A on the plus strand (C>T on the coding strand, the complement: ABCB4 is on the minus strand). VCF-style: chr7-87403227-G-A. GRCh37 (hg19) VCF-style: chr7-87032543-G-A.
Other names: c.3562C>T, p.Gln1188Ter (NM_018849.3); c.3400C>T, p.Gln1134Ter (NM_018850.3); short protein forms Q1188*, Q1134*, Q1181*.
Identifiers: ClinVar variation 2735039 (VCV002735039.4), dbSNP rs2546739198, ClinGen allele CA368057638.
Genomic context (GRCh38, chr7:87,403,227, plus strand): 5'-CTTCATCCAACAGGAGGATTTGAGGTTGTCTGATGAGGGCTCGGGCAATAGCAATCCTCT[G>A]TTTTTGACCTCCTGAGAGCTGAGTCCCCTTATCTCCCACTCTTGTTTCATATTTCTGCAA-3'